The following is an entry in ClinVar:

ClinVar aggregate classification (germline): Uncertain significance (1 of 4 stars; one submission).

Conditions:
ANK2-related disorder. Also called: ANK2-related condition.

Allele frequency attached by ClinVar (database versions not stated): gnomAD exomes 0.00001.
gnomAD v4.1: 3 of 456,202 alleles (0.00066%); highest among the groups gnomAD compares: Non-Finnish European, 0.0013%; no homozygotes.

Submission:

PreventionGenetics, part of Exact Sciences
Classification: Uncertain significance for ANK2-related condition. Last evaluated: 2022-11-11. Review status: criteria provided, single submitter. Criteria: ACMG Guidelines, 2015. Collection method: clinical testing. Allele origin: germline.
Comment: The ANK2 c.110G>A variant is predicted to result in the amino acid substitution p.Arg37His. To our knowledge, this variant has not been reported in the literature. This variant is reported in 0.0042% of alleles in individuals of European (Non-Finnish) descent in gnomAD. At this time, the clinical significance of this variant is uncertain due to the absence of conclusive functional and genetic evidence.

NM_001148.6(ANK2):c.85-57017G>A

Gene: ANK2 (ankyrin 2; plus strand). Cytogenetic location: 4q25.
Variant type: single nucleotide variant.
Coding change: c.85-57017G>A on transcript NM_001148.6 (MANE Select); 57017 bases into the intron before coding-DNA position 85, G replaced by A.
Molecular consequence: intron variant. On other transcripts: missense variant (7).
Genome position (GRCh38, 1-based): chr4:113,117,399, G>A. VCF-style: chr4-113117399-G-A. GRCh37 (hg19) VCF-style: chr4-114038555-G-A.
Other names: c.110G>A, p.Arg37His (NM_001354230.2, NM_001354231.2, NM_001354237.2 and 4 more transcripts); c.73-57017G>A (NM_001386186.2, NM_001386148.2, NM_001354269.3 and 1 more transcripts); c.22-33681G>A (NM_001386147.1, NM_001386160.1, NM_001354261.2); c.22-57017G>A (NM_001354254.2, NM_001354239.2, NM_001354252.2 and 33 more transcripts); c.85-33681G>A (NM_001354241.2); c.85-57017G>A (NM_001354225.2, NM_001354235.2, NM_001354246.2 and 9 more transcripts); short protein forms R37H.
Identifiers: ClinVar variation 2629300 (VCV002629300.1), dbSNP rs995000795, ClinGen allele CA104490776.